The following is an entry in ClinVar:

ClinVar aggregate classification (germline): Conflicting classifications of pathogenicity. Review status: criteria provided, conflicting classifications (1 of 4 stars). 8 submissions from 6 submitters: Uncertain significance (2); Benign (1); Likely benign (5). Last evaluated 2025-12-08.

Conditions:
Hereditary spherocytosis type 3. Also called: SPTA1-Related Spherocytosis; Spherocytosis type 3. Identifiers: Orphanet 822, MedGen C2678338, MONDO:0010053, OMIM 270970.
Elliptocytosis 2 (EL2). Also called: ELLIPTOCYTOSIS, RHESUS-UNLINKED TYPE. Identifiers: Orphanet 288, MedGen C1851741, MONDO:0007533, OMIM 130600.
Pyropoikilocytosis, hereditary. Also called: Pyropoikilocytosis. Identifiers: MedGen C0520739, MONDO:0009948, OMIM 266140, HP:0004839. Disease mechanism: loss of function.

Allele frequency attached by ClinVar (database versions not stated): gnomAD exomes 0.00029 and 0.00071; ExAC 0.00082; ESP Exome Variant Server 0.00234; gnomAD 0.00254 and 0.00264; TOPMed 0.00292; 1000 Genomes Project 0.00319; 1000 Genomes Project 30x 0.00328.
gnomAD v4.1: 819 of 1,613,530 alleles (0.051%); highest among the groups gnomAD compares: African/African-American, 0.91%; 2 homozygotes.

Submissions (8):

Labcorp Genetics (formerly Invitae), Labcorp
Classification: Benign. Last evaluated: 2025-12-08. Review status: criteria provided, single submitter. Criteria: Invitae Variant Classification Sherloc (09022015). Collection method: clinical testing. Allele origin: germline.

Blueprint Genetics
Classification: Likely benign. Last evaluated: 2024-11-23. Review status: criteria provided, single submitter. Criteria: ACMG Guidelines, 2015. Collection method: clinical testing. Allele origin: germline.

Mayo Clinic Laboratories, Mayo Clinic
Classification: Likely benign. Last evaluated: 2024-04-02. Review status: criteria provided, single submitter. Criteria: ACMG Guidelines, 2015. Collection method: clinical testing. Allele origin: germline. Observed: 5 variant alleles.
Comment: BP4, BP7

CeGaT Center for Human Genetics Tuebingen
Classification: Likely benign. Last evaluated: 2022-07-01. Review status: criteria provided, single submitter. Criteria: CeGaT Center For Human Genetics Tuebingen Variant Classification Criteria Version 2. Collection method: clinical testing. Allele origin: germline. Affected: yes. Observed: 1 variant allele.
Comment: SPTA1: BP4, BP7

ARUP Laboratories, Molecular Genetics and Genomics, ARUP Laboratories
Classification: Likely benign. Last evaluated: 2021-07-08. Review status: criteria provided, single submitter. Criteria: ARUP Molecular Germline Variant Investigation Process 2021. Collection method: clinical testing. Allele origin: germline.

Illumina Laboratory Services, Illumina
Classification: Uncertain significance for Pyropoikilocytosis, hereditary. Last evaluated: 2018-01-13. Review status: criteria provided, single submitter. Criteria: ICSL Variant Classification Criteria 13 December 2019. Collection method: clinical testing. Allele origin: germline.

Illumina Laboratory Services, Illumina
Classification: Likely benign for Elliptocytosis 2. Last evaluated: 2018-01-13. Review status: criteria provided, single submitter. Criteria: ICSL Variant Classification Criteria 13 December 2019. Collection method: clinical testing. Allele origin: germline.
Comment: This variant was observed in the ICSL laboratory as part of a predisposition screen in an ostensibly healthy population. It had not been previously curated by ICSL or reported in the Human Gene Mutation Database (HGMD: prior to June 1st, 2018), and was therefore a candidate for classification through an automated scoring system. Utilizing variant allele frequency, disease prevalence and penetrance estimates, and inheritance mode, an automated score was calculated to assess if this variant is too frequent to cause the disease. Based on the score and internal cut-off values, a variant classified as likely benign is not then subjected to further curation. The score for this variant resulted in a classification of likely benign for this disease.

Illumina Laboratory Services, Illumina
Classification: Uncertain significance for Hereditary spherocytosis type 3. Last evaluated: 2018-01-13. Review status: criteria provided, single submitter. Criteria: ICSL Variant Classification Criteria 13 December 2019. Collection method: clinical testing. Allele origin: germline.

NM_003126.4(SPTA1):c.5838T>C (p.Asp1946=)

Gene: SPTA1 (spectrin alpha, erythrocytic 1; minus strand). Cytogenetic location: 1q23.1.
Variant type: single nucleotide variant.
Coding change: c.5838T>C on transcript NM_003126.4 (MANE Select); coding-DNA position 5838, T replaced by C.
Protein change: p.Asp1946=; no amino-acid change (aspartic acid 1946 retained).
Molecular consequence: synonymous variant.
Genome position (GRCh38, 1-based): chr1:158,626,218, A>G on the plus strand (T>C on the coding strand, the complement: SPTA1 is on the minus strand). VCF-style: chr1-158626218-A-G. GRCh37 (hg19) VCF-style: chr1-158596008-A-G.
Other names: p.Asp1946=.
Identifiers: ClinVar variation 876084 (VCV000876084.42), dbSNP rs200330662, ClinGen allele CA1182165.